The following is an entry in ClinVar:

ClinVar aggregate classification (germline): Uncertain significance. Review status: criteria provided, multiple submitters, no conflicts (2 of 4 stars). 3 submissions from 3 submitters: Uncertain significance (3). Last evaluated 2023-06-26.

Conditions:
RYR1-related disorder. Also called: RYR1-related condition; RYR1-related disorders. Identifiers: MedGen CN239331.
Malignant hyperthermia, susceptibility to, 1 (MHS1). Also called: Anesthesia related hyperthermia; Malignant hyperpyrexia; Fulminating hyperpyrexia; Pharmacogenic myopathy; RYR1-Related Malignant Hyperthermia Susceptibility; Malignant hyperthermia suceptibility 1. Identifiers: Orphanet 423, MedGen C2930980, MONDO:0007783, OMIM 145600.

Submissions (3):

All of Us Research Program, National Institutes of Health
Classification: Uncertain significance for Malignant hyperthermia, susceptibility to, 1. Last evaluated: 2023-06-26. Review status: criteria provided, single submitter. Criteria: ACMG Guidelines, 2015. Collection method: clinical testing. Allele origin: germline. Inheritance: Autosomal dominant inheritance. Observed: 1 variant allele, 1 heterozygote.
Comment: This missense variant replaces proline with arginine at codon 2001 of the RYR1 protein. Computational prediction is inconclusive regarding the impact of this variant on protein structure and function (internally defined REVEL score threshold 0.5 < inconclusive < 0.7, PMID: 27666373). To our knowledge, functional studies have not been reported for this variant. This variant has not been reported in individuals affected with RYR1-related disorders in the literature. This variant has not been identified in the general population by the Genome Aggregation Database (gnomAD). The available evidence is insufficient to determine the role of this variant in disease conclusively. Therefore, this variant is classified as a Variant of Uncertain Significance.

This study involves interpretation of variants in research participants for the purpose of population health screening. Participant phenotype was not available at the time of variant classification. Additional details can be found in publication PMID: 35346344, PMCID: PMC8962531

Revvity Omics, Revvity
Classification: Uncertain significance. Last evaluated: 2023-04-25. Review status: criteria provided, single submitter. Criteria: ACMG Guidelines, 2015. Collection method: clinical testing. Allele origin: germline.

Labcorp Genetics (formerly Invitae), Labcorp
Classification: Uncertain significance for RYR1-related disorder. Last evaluated: 2022-03-08. Review status: criteria provided, single submitter. Criteria: Invitae Variant Classification Sherloc (09022015). Collection method: clinical testing. Allele origin: germline.
Comment: In summary, the available evidence is currently insufficient to determine the role of this variant in disease. Therefore, it has been classified as a Variant of Uncertain Significance. Algorithms developed to predict the effect of missense changes on protein structure and function are either unavailable or do not agree on the potential impact of this missense change (SIFT: "Deleterious"; PolyPhen-2: "Possibly Damaging"; Align-GVGD: "Class C0"). This variant has not been reported in the literature in individuals affected with RYR1-related conditions. This variant is not present in population databases (gnomAD no frequency). This sequence change replaces proline, which is neutral and non-polar, with arginine, which is basic and polar, at codon 2001 of the RYR1 protein (p.Pro2001Arg).

NM_000540.3(RYR1):c.6002C>G (p.Pro2001Arg)

Gene: RYR1 (ryanodine receptor 1; plus strand). Cytogenetic location: 19q13.2.
Variant type: single nucleotide variant.
Coding change: c.6002C>G on transcript NM_000540.3 (MANE Select); coding-DNA position 6002, C replaced by G.
Protein change: p.Pro2001Arg; replaces proline 2001 with arginine.
Molecular consequence: missense variant.
Genome position (GRCh38, 1-based): chr19:38,490,263, C>G. VCF-style: chr19-38490263-C-G. GRCh37 (hg19) VCF-style: chr19-38980903-C-G.
Other names: c.6002C>G, p.Pro2001Arg (NM_001042723.2); short protein forms P2001R.
Identifiers: ClinVar variation 1487706 (VCV001487706.11), dbSNP rs760559322, ClinGen allele CA405660661.
Genomic context (GRCh38, chr19:38,490,263, plus strand): 5'-TAAAAGCCTTCAGCATGACCGCAGCAGAGACTGCAAGACGTACCCGCGAGTTCCGCTCCC[C>G]ACCCCAGGAACAGGTCATCTGACCCCTGACGCTGGCCACTTTTACTGTCTAAACCCCAAC-3'
Protein context (NP_000531.2, residues 1991-2011): TARRTREFRS[Pro2001Arg]PQEQINMLLQ